The following is an entry in ClinVar:

ClinVar aggregate classification (germline): Uncertain significance (1 of 4 stars; one submission).

Conditions:
Inborn genetic diseases. Identifiers: MedGen C0950123, MeSH D030342.

gnomAD v4.1: 1 of 1,614,226 alleles (0.000062%); highest among the groups gnomAD compares: Non-Finnish European, 0.000085%; no homozygotes.

Submission:

Ambry Genetics
Classification: Uncertain significance for Inborn genetic diseases. Last evaluated: 2025-10-10. Review status: criteria provided, single submitter. Criteria: Ambry Variant Classification Scheme 2023. Collection method: clinical testing. Allele origin: germline.
Comment: The p.L222S variant (also known as c.665T>C), located in coding exon 6 of the BMPR2 gene, results from a T to C substitution at nucleotide position 665. The leucine at codon 222 is replaced by serine, an amino acid with dissimilar properties. This amino acid position is conserved. In addition, this alteration is predicted to be deleterious by in silico analysis. Based on the available evidence, the clinical significance of this variant remains unclear.

NM_001204.7(BMPR2):c.665T>C (p.Leu222Ser)

Gene: BMPR2 (bone morphogenetic protein receptor type 2; plus strand). Cytogenetic location: 2q33.2.
Variant type: single nucleotide variant.
Coding change: c.665T>C on transcript NM_001204.7 (MANE Select); coding-DNA position 665, T replaced by C.
Protein change: p.Leu222Ser; replaces leucine 222 with serine.
Molecular consequence: missense variant.
Genome position (GRCh38, 1-based): chr2:202,518,865, T>C. VCF-style: chr2-202518865-T-C. GRCh37 (hg19) VCF-style: chr2-203383588-T-C.
Other names: short protein forms L222S.
Identifiers: ClinVar variation 4597258 (VCV004597258.1).